The following is an entry in ClinVar:

ClinVar aggregate classification (germline): Uncertain significance. Review status: criteria provided, multiple submitters, no conflicts (2 of 4 stars). 3 submissions from 3 submitters: Uncertain significance (2). 1 of the submissions does not count toward it. Last evaluated 2022-08-25.

Conditions:
Cardiovascular phenotype. Identifiers: MedGen CN230736.
Duchenne muscular dystrophy (DMD). Also called: MUSCULAR DYSTROPHY, PSEUDOHYPERTROPHIC PROGRESSIVE, DUCHENNE TYPE; Duchenne Muscular Dystrophy (DMD). Identifiers: Orphanet 98896, MedGen C0013264, MONDO:0010679, OMIM 310200.
Dystrophin deficiency.

Submissions (3):

Ambry Genetics
Classification: Uncertain significance for Cardiovascular phenotype. Last evaluated: 2022-08-25. Review status: criteria provided, single submitter. Criteria: Ambry Variant Classification Scheme 2023. Collection method: clinical testing. Allele origin: germline.
Comment: The p.L1717I variant (also known as c.5149C>A), located in coding exon 36 of the DMD gene, results from a C to A substitution at nucleotide position 5149. The leucine at codon 1717 is replaced by isoleucine, an amino acid with highly similar properties. This amino acid position is well conserved in available vertebrate species. In addition, this alteration is predicted to be tolerated by in silico analysis. Since supporting evidence is limited at this time, the clinical significance of this alteration remains unclear.

Labcorp Genetics (formerly Invitae), Labcorp
Classification: Uncertain significance for Duchenne muscular dystrophy. Last evaluated: 2022-03-03. Review status: criteria provided, single submitter. Criteria: Invitae Variant Classification Sherloc (09022015). Collection method: clinical testing. Allele origin: germline.
Comment: This sequence change replaces leucine, which is neutral and non-polar, with isoleucine, which is neutral and non-polar, at codon 1717 of the DMD protein (p.Leu1717Ile). This variant is not present in population databases (gnomAD no frequency). This variant has not been reported in the literature in individuals affected with DMD-related conditions. ClinVar contains an entry for this variant (Variation ID: 655939). Algorithms developed to predict the effect of missense changes on protein structure and function are either unavailable or do not agree on the potential impact of this missense change (SIFT: "Tolerated"; PolyPhen-2: "Possibly Damaging"; Align-GVGD: "Class C0"). In summary, the available evidence is currently insufficient to determine the role of this variant in disease. Therefore, it has been classified as a Variant of Uncertain Significance.

Natera, Inc.
Classification: Uncertain significance for Dystrophin deficiency. Last evaluated: 2020-09-16. Review status: no assertion criteria provided. Collection method: clinical testing. Allele origin: germline. Not counted in ClinVar's aggregate classification.

NM_004006.3(DMD):c.5149C>A (p.Leu1717Ile)

Gene: DMD (dystrophin; minus strand). Cytogenetic location: Xp21.1.
Variant type: single nucleotide variant.
Coding change: c.5149C>A on transcript NM_004006.3 (MANE Select); coding-DNA position 5149, C replaced by A.
Protein change: p.Leu1717Ile; replaces leucine 1717 with isoleucine.
Molecular consequence: missense variant.
Genome position (GRCh38, 1-based): chrX:32,364,587, G>T on the plus strand (C>A on the coding strand, the complement: DMD is on the minus strand). VCF-style: chrX-32364587-G-T. GRCh37 (hg19) VCF-style: chrX-32382704-G-T.
Other names: c.5125C>A, p.Leu1709Ile (NM_000109.4); c.5137C>A, p.Leu1713Ile (NM_004009.3); c.4780C>A, p.Leu1594Ile (NM_004010.3); c.1126C>A, p.Leu376Ile (NM_004011.4); c.1117C>A, p.Leu373Ile (NM_004012.4); short protein forms L1594I, L1713I, L373I, L1717I, L1709I, L376I.
Identifiers: ClinVar variation 655939 (VCV000655939.9), dbSNP rs769383291, ClinGen allele CA412671421.